The following is an entry in ClinVar:

ClinVar aggregate classification (germline): Likely pathogenic (1 of 4 stars; one submission).

Submission:

Dasa
Classification: Likely pathogenic. Last evaluated: 2025-10-29. Review status: criteria provided, single submitter. Criteria: DASA Assertion Criteria. Collection method: clinical testing. Allele origin: germline.
Comment: NM_000088.4(COL1A1):c.73del (p.Glu25Lysfs*49) is a frameshift variant in COL1A1 predicted to alter the reading frame and introduce a premature termination codon and is predicted to result in an absent or altered protein product. Loss of function is an established disease mechanism for COL1A1 (PMID: 9067755; PMID: 9016532). Also, this variant is absent from population databases. Based on the currently available evidence, this variant is classified as likely pathogenic.

Literature cited by the submitters: PubMed 9067755; PubMed 9016532.

NM_000088.4(COL1A1):c.73del (p.Glu25fs)

Gene: COL1A1 (collagen type I alpha 1 chain; minus strand). Cytogenetic location: 17q21.33.
Variant type: Deletion.
Coding change: c.73del on transcript NM_000088.4 (MANE Select); coding-DNA position 73, one base deleted (G; older notation c.73delG).
Protein change: p.Glu25fs; shifts the reading frame from glutamic acid 25.
Molecular consequence: frameshift variant.
Genome position (GRCh38, 1-based): chr17:50,201,441, C deleted on the plus strand (G on the coding strand, the reverse complement: COL1A1 is on the minus strand); the first of 2 consecutive C bases (chr17:50,201,441-50,201,442); deleting either gives the same sequence. VCF-style (leftmost placement, unchanged base first): chr17-50201440-TC-T. GRCh37 (hg19) VCF-style: chr17-48278801-TC-T.
Other names: short protein forms E25fs.
Identifiers: ClinVar variation 4880639 (VCV004880639.2).